The following is an entry in ClinVar:

ClinVar aggregate classification (germline): Uncertain significance (1 of 4 stars; one submission).

Conditions:
Severe combined immunodeficiency due to DNA-PKcs deficiency. Also called: Immunodeficiency 26 with or without neurologic abnormalities; IMMUNODEFICIENCY 26 WITH NEUROLOGIC ABNORMALITIES. Identifiers: Orphanet 317425, MedGen C4014833, MONDO:0014423, OMIM 615966.

Submission:

Labcorp Genetics (formerly Invitae), Labcorp
Classification: Uncertain significance for Severe combined immunodeficiency due to DNA-PKcs deficiency. Last evaluated: 2023-12-22. Review status: criteria provided, single submitter. Criteria: Invitae Variant Classification Sherloc (09022015). Collection method: clinical testing. Allele origin: germline.
Comment: This sequence change replaces valine, which is neutral and non-polar, with leucine, which is neutral and non-polar, at codon 2607 of the PRKDC protein (p.Val2607Leu). This variant is not present in population databases (gnomAD no frequency). This variant has not been reported in the literature in individuals affected with PRKDC-related conditions. Advanced modeling of protein sequence and biophysical properties (such as structural, functional, and spatial information, amino acid conservation, physicochemical variation, residue mobility, and thermodynamic stability) performed at Invitae indicates that this missense variant is not expected to disrupt PRKDC protein function with a negative predictive value of 80%. In summary, the available evidence is currently insufficient to determine the role of this variant in disease. Therefore, it has been classified as a Variant of Uncertain Significance.

NM_006904.7(PRKDC):c.7819G>T (p.Val2607Leu)

Gene: PRKDC (protein kinase, DNA-activated, catalytic subunit; minus strand). Cytogenetic location: 8q11.21.
Variant type: single nucleotide variant.
Coding change: c.7819G>T on transcript NM_006904.7 (MANE Select); coding-DNA position 7819, G replaced by T.
Protein change: p.Val2607Leu; replaces valine 2607 with leucine.
Molecular consequence: missense variant.
Genome position (GRCh38, 1-based): chr8:47,836,470, C>A on the plus strand (G>T on the coding strand, the complement: PRKDC is on the minus strand). VCF-style: chr8-47836470-C-A. GRCh37 (hg19) VCF-style: chr8-48749031-C-A.
Other names: c.7819G>T, p.Val2607Leu (NM_001081640.2); short protein forms V2607L.
Identifiers: ClinVar variation 2703324 (VCV002703324.2), dbSNP rs2154499715, ClinGen allele CA371151147.